The following is an entry in ClinVar:

ClinVar aggregate classification (germline): Uncertain significance (1 of 4 stars; one submission).

Conditions:
Autosomal dominant nocturnal frontal lobe epilepsy 5. Also called: KCNT1-Related Epilepsy; CILIARY DYSKINESIA, PRIMARY, 28, WITHOUT SITUS INVERSUS; CILIARY DYSKINESIA, PRIMARY, 28, WITH SITUS INVERSUS; Epilepsy, nocturnal frontal lobe, 5. Identifiers: Orphanet 98784, MedGen C3554306, MONDO:0014002, OMIM 615005.
Developmental and epileptic encephalopathy, 14 (DEE14). Also called: Early infantile epileptic encephalopathy 14. Identifiers: Orphanet 293181, MedGen C3554195, MONDO:0013989, OMIM 614959.

Submission:

Labcorp Genetics (formerly Invitae), Labcorp
Classification: Uncertain significance for Autosomal dominant nocturnal frontal lobe epilepsy 5; Developmental and epileptic encephalopathy, 14. Last evaluated: 2024-07-19. Review status: criteria provided, single submitter. Criteria: Invitae Variant Classification Sherloc (09022015). Collection method: clinical testing. Allele origin: germline.
Comment: This sequence change replaces alanine, which is neutral and non-polar, with serine, which is neutral and polar, at codon 1058 of the KCNT1 protein (p.Ala1058Ser). This variant is not present in population databases (gnomAD no frequency). This variant has not been reported in the literature in individuals affected with KCNT1-related conditions. Advanced modeling of protein sequence and biophysical properties (such as structural, functional, and spatial information, amino acid conservation, physicochemical variation, residue mobility, and thermodynamic stability) performed at Invitae indicates that this missense variant is not expected to disrupt KCNT1 protein function with a negative predictive value of 95%. In summary, the available evidence is currently insufficient to determine the role of this variant in disease. Therefore, it has been classified as a Variant of Uncertain Significance.

NM_020822.3(KCNT1):c.3172G>T (p.Ala1058Ser)

Gene: KCNT1 (potassium sodium-activated channel subfamily T member 1; plus strand). Cytogenetic location: 9q34.3.
Variant type: single nucleotide variant.
Coding change: c.3172G>T on transcript NM_020822.3 (MANE Select); coding-DNA position 3172, G replaced by T.
Protein change: p.Ala1058Ser; replaces alanine 1058 with serine.
Molecular consequence: missense variant.
Genome position (GRCh38, 1-based): chr9:135,785,325, G>T. VCF-style: chr9-135785325-G-T. GRCh37 (hg19) VCF-style: chr9-138677171-G-T.
Other names: c.3037G>T, p.Ala1013Ser (NM_001272003.2); short protein forms A1013S, A1058S.
Identifiers: ClinVar variation 3753939 (VCV003753939.2).